The following is an entry in ClinVar:

ClinVar aggregate classification (germline): Uncertain significance. Review status: criteria provided, multiple submitters, no conflicts (2 of 4 stars). 2 submissions from 2 submitters: Uncertain significance (2). Last evaluated 2025-08-11.

Conditions:
DICER1-related tumor predisposition. Also called: DICER1-related pleuropulmonary blastoma cancer predisposition syndrome; DICER1 syndrome. Identifiers: Orphanet 284343, MedGen C3839822, MONDO:0100216.
Hereditary cancer-predisposing syndrome. Also called: Hereditary neoplastic syndrome; Tumor predisposition; Neoplastic Syndromes, Hereditary; Hereditary Cancer Syndrome. Identifiers: Orphanet 140162, MedGen C0027672, MeSH D009386, MONDO:0015356.

Submissions (2):

Labcorp Genetics (formerly Invitae), Labcorp
Classification: Uncertain significance for DICER1-related tumor predisposition. Last evaluated: 2025-08-11. Review status: criteria provided, single submitter. Criteria: Invitae Variant Classification Sherloc (09022015). Collection method: clinical testing. Allele origin: germline.
Comment: This sequence change replaces isoleucine, which is neutral and non-polar, with methionine, which is neutral and non-polar, at codon 557 of the DICER1 protein (p.Ile557Met). This variant is not present in population databases (gnomAD no frequency). This variant has not been reported in the literature in individuals affected with DICER1-related conditions. ClinVar contains an entry for this variant (Variation ID: 1474319). Invitae Evidence Modeling of protein sequence and biophysical properties (such as structural, functional, and spatial information, amino acid conservation, physicochemical variation, residue mobility, and thermodynamic stability) indicates that this missense variant is not expected to disrupt DICER1 protein function with a negative predictive value of 95%. In summary, the available evidence is currently insufficient to determine the role of this variant in disease. Therefore, it has been classified as a Variant of Uncertain Significance.

Ambry Genetics
Classification: Uncertain significance for Hereditary cancer-predisposing syndrome. Last evaluated: 2025-02-18. Review status: criteria provided, single submitter. Criteria: Ambry Variant Classification Scheme 2023. Collection method: clinical testing. Allele origin: germline.
Comment: The p.I557M variant (also known as c.1671C>G), located in coding exon 9 of the DICER1 gene, results from a C to G substitution at nucleotide position 1671. The isoleucine at codon 557 is replaced by methionine, an amino acid with highly similar properties. This amino acid position is conserved. In addition, this alteration is predicted to be tolerated by in silico analysis. Based on the available evidence, the clinical significance of this variant remains unclear.

NM_177438.3(DICER1):c.1671C>G (p.Ile557Met)

Gene: DICER1 (dicer 1, ribonuclease III; minus strand). Cytogenetic location: 14q32.13.
Variant type: single nucleotide variant.
Coding change: c.1671C>G on transcript NM_177438.3 (MANE Select); coding-DNA position 1671, C replaced by G.
Protein change: p.Ile557Met; replaces isoleucine 557 with methionine.
Molecular consequence: missense variant.
Genome position (GRCh38, 1-based): chr14:95,116,534, G>C on the plus strand (C>G on the coding strand, the complement: DICER1 is on the minus strand). VCF-style: chr14-95116534-G-C. GRCh37 (hg19) VCF-style: chr14-95582871-G-C.
Other names: c.1671C>G (NM_177438.2); c.1671C>G, p.Ile557Met (NM_001195573.1, NM_001271282.3, NM_001291628.2 and 1 more transcripts); short protein forms I557M.
Identifiers: ClinVar variation 1474319 (VCV001474319.8), dbSNP rs2140123897, ClinGen allele CA390884832.